The following is an entry in ClinVar:

ClinVar aggregate classification (germline): Likely pathogenic (1 of 4 stars; one submission).

Submission:

Labcorp Genetics (formerly Invitae), Labcorp
Classification: Likely pathogenic. Last evaluated: 2026-01-05. Review status: criteria provided, single submitter. Criteria: Invitae Variant Classification Sherloc (09022015). Collection method: clinical testing. Allele origin: germline.
Comment: This sequence change falls in intron 27 of the CPLANE1 gene. It does not directly change the encoded amino acid sequence of the CPLANE1 protein. It affects a nucleotide within the consensus splice site. This variant is not present in population databases (gnomAD no frequency). This variant has been observed in individual(s) with clinical features of C5orf42-related conditions (internal data). In at least one individual the data is consistent with being in trans (on the opposite chromosome) from a pathogenic variant. ClinVar contains an entry for this variant (Variation ID: 583208). Variants that disrupt the consensus splice site are a relatively common cause of aberrant splicing (PMID: 17576681, 9536098). Algorithms developed to predict the effect of sequence changes on RNA splicing suggest that this variant may disrupt the consensus splice site. In summary, the currently available evidence indicates that the variant is pathogenic, but additional data are needed to prove that conclusively. Therefore, this variant has been classified as Likely Pathogenic.

Literature cited by the submitters: PubMed 17576681; PubMed 9536098.

NM_001384732.1(CPLANE1):c.5570+5G>A

Gene: CPLANE1 (ciliogenesis and planar polarity effector complex subunit 1; minus strand). Cytogenetic location: 5p13.2.
Variant type: single nucleotide variant.
Coding change: c.5570+5G>A on transcript NM_001384732.1 (MANE Select); 5 bases into the intron after coding-DNA position 5570, G replaced by A.
Molecular consequence: intron variant.
Genome position (GRCh38, 1-based): chr5:37,180,852, C>T on the plus strand (G>A on the coding strand, the complement: CPLANE1 is on the minus strand). VCF-style: chr5-37180852-C-T. GRCh37 (hg19) VCF-style: chr5-37180954-C-T.
Other names: c.5570+5G>A (NM_023073.4).
Identifiers: ClinVar variation 583208 (VCV000583208.9), dbSNP rs1561516534, ClinGen allele CA891843406.
Genomic context (GRCh38, chr5:37,180,852, plus strand): 5'-TTAAGCCCAAATGCCATCAAACTACATGTCTTATATTGAAAAGAAGAGTATAATCGGCAA[C>T]TTACTTCAAGATATTTTGACAAGATTTATTCTGACCATTTCTTTCCTCAGTTCCACCTGG-3'